The following is an entry in ClinVar:

ClinVar aggregate classification (germline): Uncertain significance. Review status: criteria provided, multiple submitters, no conflicts (2 of 4 stars). 2 submissions from 2 submitters: Uncertain significance (2). Last evaluated 2025-12-15.

Conditions:
Inborn genetic diseases. Identifiers: MedGen C0950123, MeSH D030342.

Allele frequency attached by ClinVar (database versions not stated): TOPMed 0.00012; gnomAD 0.00014; ExAC 0.00016; gnomAD exomes 0.00018; 1000 Genomes Project 0.00020; ESP Exome Variant Server 0.00023; 1000 Genomes Project 30x 0.00031.

Submissions (2):

Ambry Genetics
Classification: Uncertain significance for Inborn genetic diseases. Last evaluated: 2025-12-15. Review status: criteria provided, single submitter. Criteria: Ambry Variant Classification Scheme 2023. Collection method: clinical testing. Allele origin: germline.

Labcorp Genetics (formerly Invitae), Labcorp
Classification: Uncertain significance. Last evaluated: 2024-01-08. Review status: criteria provided, single submitter. Criteria: Invitae Variant Classification Sherloc (09022015). Collection method: clinical testing. Allele origin: germline.
Comment: This sequence change replaces arginine, which is basic and polar, with glutamine, which is neutral and polar, at codon 77 of the CCDC8 protein (p.Arg77Gln). This variant is present in population databases (rs142995258, gnomAD 0.03%). This variant has not been reported in the literature in individuals affected with CCDC8-related conditions. ClinVar contains an entry for this variant (Variation ID: 1421892). Algorithms developed to predict the effect of missense changes on protein structure and function output the following: SIFT: "Not Available"; PolyPhen-2: "Benign"; Align-GVGD: "Not Available". The glutamine amino acid residue is found in multiple mammalian species, which suggests that this missense change does not adversely affect protein function. In summary, the available evidence is currently insufficient to determine the role of this variant in disease. Therefore, it has been classified as a Variant of Uncertain Significance.

NM_032040.5(CCDC8):c.230G>A (p.Arg77Gln)

Gene: CCDC8 (coiled-coil domain containing 8 subunit of 3M complex; minus strand). Cytogenetic location: 19q13.32.
Variant type: single nucleotide variant.
Coding change: c.230G>A on transcript NM_032040.5 (MANE Select); coding-DNA position 230, G replaced by A.
Protein change: p.Arg77Gln; replaces arginine 77 with glutamine.
Molecular consequence: missense variant.
Genome position (GRCh38, 1-based): chr19:46,412,581, C>T on the plus strand (G>A on the coding strand, the complement: CCDC8 is on the minus strand). VCF-style: chr19-46412581-C-T. GRCh37 (hg19) VCF-style: chr19-46915838-C-T.
Other names: c.230G>A (NM_032040.3); short protein forms R77Q.
Identifiers: ClinVar variation 1421892 (VCV001421892.6), dbSNP rs142995258, ClinGen allele CA9528754.
Genomic context (GRCh38, chr19:46,412,581, plus strand): 5'-TACGTGCCCACGACCAGCCGGGGCGGAGGAGTCACCATCTGCTGCACTCTCCTCCTCACT[C>T]GGGGCTCCTTGGGCTTTTTGGGGGGCTGGGGCGGGTGCGGGGTGCTCTTCTCCATGATGC-3'
Protein context (NP_114429.2, residues 67-87): PQPPKKPKEP[Arg77Gln]VRRRVQQMVT